The following is an entry in ClinVar:

ClinVar aggregate classification (germline): Uncertain significance (1 of 4 stars; one submission).

gnomAD v4.1: 42 of 1,612,312 alleles (0.0026%); highest among the groups gnomAD compares: Non-Finnish European, 0.0034%; no homozygotes.

Submission:

CeGaT Center for Human Genetics Tuebingen
Classification: Uncertain significance. Last evaluated: 2025-03-01. Review status: criteria provided, single submitter. Criteria: CeGaT Center For Human Genetics Tuebingen Variant Classification Criteria Version 2. Collection method: clinical testing. Allele origin: germline. Affected: yes. Observed: 1 variant allele.
Comment: TTN: PM2

NM_001267550.2(TTN):c.47006C>T (p.Thr15669Ile)

Genes: TTN (titin; minus strand), TTN-AS1 (TTN antisense RNA 1; plus strand). Cytogenetic location: 2q31.2.
Variant type: single nucleotide variant.
Coding change: c.47006C>T on transcript NM_001267550.2 (MANE Select); coding-DNA position 47006, C replaced by T.
Protein change: p.Thr15669Ile; replaces threonine 15669 with isoleucine.
Molecular consequence: missense variant.
Genome position (GRCh38, 1-based): chr2:178,618,452, G>A on the plus strand (C>T on the coding strand, the complement: TTN is on the minus strand). VCF-style: chr2-178618452-G-A. GRCh37 (hg19) VCF-style: chr2-179483179-G-A.
Other names: c.42083C>T, p.Thr14028Ile (NM_001256850.1); c.19811C>T, p.Thr6604Ile (NM_003319.4); c.39302C>T, p.Thr13101Ile (NM_133378.4); c.20186C>T, p.Thr6729Ile (NM_133432.3); c.20387C>T, p.Thr6796Ile (NM_133437.4); short protein forms T13101I, T14028I, T15669I, T6604I, T6729I, T6796I.
Identifiers: ClinVar variation 3778245 (VCV003778245.7).